The following is an entry in ClinVar:

ClinVar aggregate classification (germline): Conflicting classifications of pathogenicity. Review status: criteria provided, conflicting classifications (1 of 4 stars). 5 submissions from 5 submitters: Uncertain significance (2); Benign (1); Likely benign (2). Last evaluated 2025-06-16.

Conditions:
Leukoencephalopathy-thalamus and brainstem anomalies-high lactate syndrome. Also called: LEUKOENCEPHALOPATHY WITH THALAMUS AND BRAINSTEM INVOLVEMENT AND HIGH LACTATE; Combined oxidative phosphorylation deficiency 12. Identifiers: Orphanet 314051, MedGen C4706421, MONDO:0013971, OMIM 614924.

Allele frequency attached by ClinVar (database versions not stated): 1000 Genomes Project 0.00080; 1000 Genomes Project 30x 0.00094.

Submissions (5):

Mayo Clinic Laboratories, Mayo Clinic
Classification: Likely benign. Last evaluated: 2025-06-16. Review status: criteria provided, single submitter. Criteria: ACMG Guidelines, 2015. Collection method: clinical testing. Allele origin: germline. Observed: 1 variant allele.
Comment: BS1, BP4

GeneDx
Classification: Uncertain significance. Last evaluated: 2025-01-27. Review status: criteria provided, single submitter. Criteria: GeneDx Variant Classification Process June 2021. Collection method: clinical testing. Allele origin: germline. Affected: yes.
Comment: Has not been previously published as pathogenic or benign to our knowledge; In silico analysis supports that this missense variant has a deleterious effect on protein structure/function

CeGaT Center for Human Genetics Tuebingen
Classification: Likely benign. Last evaluated: 2024-10-01. Review status: criteria provided, single submitter. Criteria: CeGaT Center For Human Genetics Tuebingen Variant Classification Criteria Version 2. Collection method: clinical testing. Allele origin: germline. Affected: yes. Observed: 1 variant allele.
Comment: EARS2: BP4, BS2

Labcorp Genetics (formerly Invitae), Labcorp
Classification: Benign. Last evaluated: 2023-03-01. Review status: criteria provided, single submitter. Criteria: Invitae Variant Classification Sherloc (09022015). Collection method: clinical testing. Allele origin: germline.

Revvity Omics, Revvity
Classification: Uncertain significance for Leukoencephalopathy-thalamus and brainstem anomalies-high lactate syndrome. Last evaluated: 2022-04-13. Review status: criteria provided, single submitter. Criteria: ACMG Guidelines, 2015. Collection method: clinical testing. Allele origin: germline.

NM_001083614.2(EARS2):c.569G>A (p.Arg190His)

Gene: EARS2 (glutamyl-tRNA synthetase 2, mitochondrial; minus strand). Cytogenetic location: 16p12.2.
Variant type: single nucleotide variant.
Coding change: c.569G>A on transcript NM_001083614.2 (MANE Select); coding-DNA position 569, G replaced by A.
Protein change: p.Arg190His; replaces arginine 190 with histidine.
Molecular consequence: missense variant. On other transcripts: non-coding transcript variant (1).
Genome position (GRCh38, 1-based): chr16:23,535,277, C>T on the plus strand (G>A on the coding strand, the complement: EARS2 is on the minus strand). VCF-style: chr16-23535277-C-T. GRCh37 (hg19) VCF-style: chr16-23546598-C-T.
Other names: p.Arg190His; c.569G>A, p.Arg190His (NM_001308211.1); short protein forms R190H.
Identifiers: ClinVar variation 1254352 (VCV001254352.28), dbSNP rs533072942, ClinGen allele CA7962543.